The following is an entry in ClinVar:

NM_001379200.1(TBX1):c.646A>G (p.Met216Val)

Gene: TBX1 (T-box transcription factor 1; plus strand). Cytogenetic location: 22q11.21.
Variant type: single nucleotide variant.
Coding change: c.646A>G on transcript NM_001379200.1 (MANE Select); coding-DNA position 646, A replaced by G.
Protein change: p.Met216Val; replaces methionine 216 with valine.
Molecular consequence: missense variant.
Genome position (GRCh38, 1-based): chr22:19,764,261, A>G. VCF-style: chr22-19764261-A-G. GRCh37 (hg19) VCF-style: chr22-19751784-A-G.
Other names: c.619A>G, p.Met207Val (NM_005992.1, NM_080646.2, NM_080647.1); short protein forms M207V, M216V.
Identifiers: ClinVar variation 949596 (VCV000949596.9), dbSNP rs1224140312, ClinGen allele CA410682980.
Genomic context (GRCh38, chr22:19,764,261, plus strand): 5'-CCTGCCACGCCAGGCCGCGTGCACTACCACCCGGACTCGCCTGCCAAGGGCGCGCAGTGG[A>G]TGAAGCAAATCGTGTCCTTCGACAAGCTCAAGCTGACCAACAACCTACTGGACGACAACG-3'
Protein context (NP_001366129.1, residues 206-226): PDSPAKGAQW[Met216Val]KQIVSFDKLK

ClinVar aggregate classification (germline): Uncertain significance (1 of 4 stars; one submission).

Conditions:
DiGeorge syndrome. Also called: THIRD AND FOURTH PHARYNGEAL POUCH SYNDROME; Catch22. Identifiers: Orphanet 567, MedGen C0012236, MONDO:0008564, OMIM 188400.

Allele frequency attached by ClinVar (database versions not stated): gnomAD exomes below 0.00001.
gnomAD v4.1: 1 of 1,613,460 alleles (0.000062%); highest among the groups gnomAD compares: South Asian, 0.0011%; no homozygotes.

Submission:

Labcorp Genetics (formerly Invitae), Labcorp
Classification: Uncertain significance for DiGeorge syndrome. Last evaluated: 2025-02-07. Review status: criteria provided, single submitter. Criteria: Invitae Variant Classification Sherloc (09022015). Collection method: clinical testing. Allele origin: germline.
Comment: This sequence change replaces methionine, which is neutral and non-polar, with valine, which is neutral and non-polar, at codon 207 of the TBX1 protein (p.Met207Val). This variant is present in population databases (no rsID available, gnomAD 0.0009%). This variant has not been reported in the literature in individuals affected with TBX1-related conditions. ClinVar contains an entry for this variant (Variation ID: 949596). Invitae Evidence Modeling of protein sequence and biophysical properties (such as structural, functional, and spatial information, amino acid conservation, physicochemical variation, residue mobility, and thermodynamic stability) indicates that this missense variant is expected to disrupt TBX1 protein function with a positive predictive value of 80%. In summary, the available evidence is currently insufficient to determine the role of this variant in disease. Therefore, it has been classified as a Variant of Uncertain Significance.